The following is an entry in ClinVar:

ClinVar aggregate classification (germline): Uncertain significance. Review status: criteria provided, multiple submitters, no conflicts (2 of 4 stars). 3 submissions from 3 submitters: Uncertain significance (3). Last evaluated 2025-08-25.

Conditions:
Cardiovascular phenotype. Identifiers: MedGen CN230736.
Dilated cardiomyopathy 1W (CMD1W). Identifiers: Orphanet 154, MedGen C1969639, MONDO:0012667, OMIM 611407.
Hypertrophic cardiomyopathy 15. Identifiers: MedGen C2750459, MONDO:0013200, OMIM 613255.

Allele frequency attached by ClinVar (database versions not stated): TOPMed below 0.00001; ExAC 0.00001; gnomAD 0.00001; gnomAD exomes 0.00001; 1000 Genomes Project 30x 0.00016; 1000 Genomes Project 0.00020.
gnomAD v4.1: 13 of 1,614,186 alleles (0.00081%); highest among the groups gnomAD compares: African/African-American, 0.0013%; no homozygotes.

Submissions (3):

Labcorp Genetics (formerly Invitae), Labcorp
Classification: Uncertain significance for Dilated cardiomyopathy 1W. Last evaluated: 2025-08-25. Review status: criteria provided, single submitter. Criteria: Invitae Variant Classification Sherloc (09022015). Collection method: clinical testing. Allele origin: germline.
Comment: This sequence change replaces arginine, which is basic and polar, with glycine, which is neutral and non-polar, at codon 769 of the VCL protein (p.Arg769Gly). This variant is not present in population databases (gnomAD no frequency). This variant has not been reported in the literature in individuals affected with VCL-related conditions. ClinVar contains an entry for this variant (Variation ID: 1437756). An algorithm developed to predict the effect of missense changes on protein structure and function (PolyPhen-2) suggests that this variant is likely to be tolerated. In summary, the available evidence is currently insufficient to determine the role of this variant in disease. Therefore, it has been classified as a Variant of Uncertain Significance.

Ambry Genetics
Classification: Uncertain significance for Cardiovascular phenotype. Last evaluated: 2024-09-24. Review status: criteria provided, single submitter. Criteria: Ambry Variant Classification Scheme 2023. Collection method: clinical testing. Allele origin: germline.
Comment: The p.R769G variant (also known as c.2305A>G), located in coding exon 16 of the VCL gene, results from an A to G substitution at nucleotide position 2305. The arginine at codon 769 is replaced by glycine, an amino acid with dissimilar properties. This amino acid position is conserved. In addition, the in silico prediction for this alteration is inconclusive. Since supporting evidence is limited at this time, the clinical significance of this alteration remains unclear.

Fulgent Genetics
Classification: Uncertain significance for Dilated cardiomyopathy 1W; Hypertrophic cardiomyopathy 15. Last evaluated: 2021-09-07. Review status: criteria provided, single submitter. Criteria: ACMG Guidelines, 2015. Collection method: clinical testing. Allele origin: unknown.

NM_014000.3(VCL):c.2305A>G (p.Arg769Gly)

Gene: VCL (vinculin; plus strand). Cytogenetic location: 10q22.2.
Variant type: single nucleotide variant.
Coding change: c.2305A>G on transcript NM_014000.3 (MANE Select); coding-DNA position 2305, A replaced by G.
Protein change: p.Arg769Gly; replaces arginine 769 with glycine.
Molecular consequence: missense variant.
Genome position (GRCh38, 1-based): chr10:74,105,224, A>G. VCF-style: chr10-74105224-A-G. GRCh37 (hg19) VCF-style: chr10-75864982-A-G.
Other names: c.2305A>G, p.Arg769Gly (NM_003373.4); short protein forms R769G.
Identifiers: ClinVar variation 1437756 (VCV001437756.12), dbSNP rs566257885, ClinGen allele CA5563188.